The following is an entry in ClinVar:

NM_001321120.2(TBX4):c.187-15C>T

Gene: TBX4 (T-box transcription factor 4; plus strand). Cytogenetic location: 17q23.2.
Variant type: single nucleotide variant.
Coding change: c.187-15C>T on transcript NM_001321120.2 (MANE Select); 15 bases into the intron before coding-DNA position 187, C replaced by T.
Molecular consequence: intron variant.
Genome position (GRCh38, 1-based): chr17:61,457,522, C>T. VCF-style: chr17-61457522-C-T. GRCh37 (hg19) VCF-style: chr17-59534883-C-T.
Other names: c.187-15C>T (LRG_1206t1, NM_018488.3).
Identifiers: ClinVar variation 324247 (VCV000324247.7), dbSNP rs376619036, ClinGen allele CA8689754.

ClinVar aggregate classification (germline): Benign/Likely benign. Review status: criteria provided, multiple submitters, no conflicts (2 of 4 stars). 3 submissions from 3 submitters: Benign (2); Likely benign (1). Last evaluated 2024-11-22.

Conditions:
Coxopodopatellar syndrome. Also called: ISCHIOCOXOPODOPATELLAR SYNDROME WITH OR WITHOUT PULMONARY ARTERIAL HYPERTENSION; Congenital coxa vara, patella aplasia and tarsal synostosis; ISCHIOPATELLAR DYSPLASIA; SCOTT-TAOR SYNDROME; ISCHIOCOXOPODOPATELLAR SYNDROME; PATELLA APLASIA, COXA VARA, AND TARSAL SYNOSTOSIS. Identifiers: Orphanet 1509, MedGen C1840061, MONDO:0007841, OMIM 147891.

Allele frequency attached by ClinVar (database versions not stated): ESP Exome Variant Server 0.00008; 1000 Genomes Project 30x 0.00016; 1000 Genomes Project 0.00020; gnomAD 0.00022 and 0.00023; TOPMed 0.00023; gnomAD exomes 0.00030 and 0.00033; ExAC 0.00038.
gnomAD v4.1: 515 of 1,612,366 alleles (0.032%); highest among the groups gnomAD compares: South Asian, 0.073%; 3 homozygotes.

Submissions (3):

Blueprint Genetics
Classification: Likely benign. Last evaluated: 2024-11-22. Review status: criteria provided, single submitter. Criteria: ACMG Guidelines, 2015. Collection method: clinical testing. Allele origin: germline.

Illumina Laboratory Services, Illumina
Classification: Benign for Coxopodopatellar syndrome. Last evaluated: 2018-01-12. Review status: criteria provided, single submitter. Criteria: ICSL Variant Classification Criteria 13 December 2019. Collection method: clinical testing. Allele origin: germline.
Comment: This variant was observed in the ICSL laboratory as part of a predisposition screen in an ostensibly healthy population. It had not been previously curated by ICSL or reported in the Human Gene Mutation Database (HGMD: prior to June 1st, 2018), and was therefore a candidate for classification through an automated scoring system. Utilizing variant allele frequency, disease prevalence and penetrance estimates, and inheritance mode, an automated score was calculated to assess if this variant is too frequent to cause the disease. Based on the score and internal cut-off values, a variant classified as benign is not then subjected to further curation. The score for this variant resulted in a classification of benign for this disease.

Breakthrough Genomics
Classification: Benign. Review status: criteria provided, single submitter. Criteria: ACMG Guidelines, 2015. Collection method: not provided. Allele origin: germline. Inheritance: Autosomal recessive inheritance. Affected: yes.